The following is an entry in ClinVar:

ClinVar aggregate classification (germline): Uncertain significance. Review status: criteria provided, multiple submitters, no conflicts (2 of 4 stars). 2 submissions from 2 submitters: Uncertain significance (2). Last evaluated 2025-01-23.

Conditions:
Fanconi anemia complementation group E (FANCE). Also called: FANCE-Related Fanconi Anemia. Identifiers: Orphanet 84, MedGen C3160739, MONDO:0010953, OMIM 600901.

Allele frequency attached by ClinVar (database versions not stated): TOPMed 0.00003; ExAC 0.00004; gnomAD 0.00004; gnomAD exomes 0.00004 and 0.00005.
gnomAD v4.1: 80 of 1,614,020 alleles (0.005%); highest among the groups gnomAD compares: Non-Finnish European, 0.0049%; no homozygotes.

Submissions (2):

Labcorp Genetics (formerly Invitae), Labcorp
Classification: Uncertain significance for Fanconi anemia complementation group E. Last evaluated: 2025-01-23. Review status: criteria provided, single submitter. Criteria: Invitae Variant Classification Sherloc (09022015). Collection method: clinical testing. Allele origin: germline.
Comment: This sequence change replaces arginine, which is basic and polar, with tryptophan, which is neutral and slightly polar, at codon 343 of the FANCE protein (p.Arg343Trp). This variant is present in population databases (rs567313440, gnomAD 0.02%). This variant has not been reported in the literature in individuals affected with FANCE-related conditions. ClinVar contains an entry for this variant (Variation ID: 539295). Invitae Evidence Modeling of protein sequence and biophysical properties (such as structural, functional, and spatial information, amino acid conservation, physicochemical variation, residue mobility, and thermodynamic stability) indicates that this missense variant is expected to disrupt FANCE protein function with a positive predictive value of 80%. Algorithms developed to predict the effect of sequence changes on RNA splicing suggest that this variant may disrupt the consensus splice site. In summary, the available evidence is currently insufficient to determine the role of this variant in disease. Therefore, it has been classified as a Variant of Uncertain Significance.

Fulgent Genetics
Classification: Uncertain significance for Fanconi anemia complementation group E. Last evaluated: 2022-05-04. Review status: criteria provided, single submitter. Criteria: ACMG Guidelines, 2015. Collection method: clinical testing. Allele origin: unknown.

NM_021922.3(FANCE):c.1027C>T (p.Arg343Trp)

Gene: FANCE (FA complementation group E; plus strand). Cytogenetic location: 6p21.31.
Variant type: single nucleotide variant.
Coding change: c.1027C>T on transcript NM_021922.3 (MANE Select); coding-DNA position 1027, C replaced by T.
Protein change: p.Arg343Trp; replaces arginine 343 with tryptophan.
Molecular consequence: missense variant.
Genome position (GRCh38, 1-based): chr6:35,458,354, C>T. VCF-style: chr6-35458354-C-T. GRCh37 (hg19) VCF-style: chr6-35426131-C-T.
Other names: short protein forms R343W.
Identifiers: ClinVar variation 539295 (VCV000539295.8), dbSNP rs567313440, ClinGen allele CA3771581.